The following is an entry in ClinVar:

ClinVar aggregate classification (germline): Uncertain significance (1 of 4 stars; one submission).

Conditions:
Inborn genetic diseases. Identifiers: MedGen C0950123, MeSH D030342.

Submission:

Ambry Genetics
Classification: Uncertain significance for Inborn genetic diseases. Last evaluated: 2025-04-12. Review status: criteria provided, single submitter. Criteria: Ambry Variant Classification Scheme 2023. Collection method: clinical testing. Allele origin: germline.
Comment: The p.P405A variant (also known as c.1213C>G), located in coding exon 9 of the DNMT3A gene, results from a C to G substitution at nucleotide position 1213. The proline at codon 405 is replaced by alanine, an amino acid with highly similar properties. This amino acid position is conserved. In addition, this alteration is predicted to be tolerated by in silico analysis. Based on the available evidence, the clinical significance of this variant remains unclear.

NM_022552.5(DNMT3A):c.1213C>G (p.Pro405Ala)

Gene: DNMT3A (DNA methyltransferase 3 alpha; minus strand). Cytogenetic location: 2p23.3.
Variant type: single nucleotide variant.
Coding change: c.1213C>G on transcript NM_022552.5 (MANE Select); coding-DNA position 1213, C replaced by G.
Protein change: p.Pro405Ala; replaces proline 405 with alanine.
Molecular consequence: missense variant. On other transcripts: non-coding transcript variant (1).
Genome position (GRCh38, 1-based): chr2:25,246,686, G>C on the plus strand (C>G on the coding strand, the complement: DNMT3A is on the minus strand). VCF-style: chr2-25246686-G-C. GRCh37 (hg19) VCF-style: chr2-25469555-G-C.
Other names: c.757C>G, p.Pro253Ala (NM_001320893.1); c.544C>G, p.Pro182Ala (NM_001375819.1); c.646C>G, p.Pro216Ala (NM_153759.3); c.1213C>G, p.Pro405Ala (NM_175629.2); short protein forms P216A, P182A, P253A, P405A.
Identifiers: ClinVar variation 4013911 (VCV004013911.1).